The following is an entry in ClinVar:

NM_007294.4(BRCA1):c.2477_2478del (p.Thr826fs)

Gene: BRCA1 (BRCA1 DNA repair associated; minus strand). Cytogenetic location: 17q21.31.
Variant type: Microsatellite.
Coding change: c.2477_2478del on transcript NM_007294.4 (MANE Select); coding-DNA positions 2477 to 2478, 2 bases deleted (CA; older notation c.2477_2478delCA).
Protein change: p.Thr826fs; shifts the reading frame from threonine 826.
Molecular consequence: frameshift variant. On other transcripts: intron variant (137).
Genome position (GRCh38, 1-based): chr17:43,093,053-43,093,054, TG deleted on the plus strand (CA on the coding strand, the reverse complement: BRCA1 is on the minus strand); deleting any 2 consecutive bases within chr17:43,093,053-43,093,057 gives the same sequence; the c. name uses the placement nearest the transcript's 3' end. VCF-style (leftmost placement, unchanged base first): chr17-43093052-CTG-C. GRCh37 (hg19) VCF-style: chr17-41245069-CTG-C.
Other names: 2596delCA; c.2477_2478delCA (NM_007294.3); c.2477_2478del, p.Thr826fs (NM_001407622.1, NM_001407623.1, NM_001407624.1 and 30 more transcripts); c.2474_2475del, p.Thr825fs (NM_001407627.1, NM_001407628.1, NM_001407629.1 and 22 more transcripts); c.2468_2469del, p.Thr823fs (NM_001407646.1, NM_001407647.1); c.2354_2355del, p.Thr785fs (NM_001407648.1, NM_001407664.1, NM_001407665.1 and 19 more transcripts); c.2351_2352del, p.Thr784fs (NM_001407649.1, NM_001407670.1, NM_001407671.1 and 11 more transcripts); c.2399_2400del, p.Thr800fs (NM_001407653.1, NM_001407654.1, NM_001407655.1 and 4 more transcripts); and 43 more; short protein forms T826fs, T779fs, T530fs, T699fs, T799fs, T800fs, T715fs, T737fs.
Identifiers: ClinVar variation 54578 (VCV000054578.14), dbSNP rs80357800, ClinGen allele CA001649.

ClinVar aggregate classification (germline): Pathogenic. Review status: reviewed by expert panel (3 of 4 stars). 6 submissions from 6 submitters: Pathogenic (1). 5 of the submissions do not count toward it. Last evaluated 2016-09-08.

Conditions:
Hereditary cancer-predisposing syndrome. Also called: Tumor predisposition; Neoplastic Syndromes, Hereditary; Hereditary Cancer Syndrome; Hereditary neoplastic syndrome. Identifiers: Orphanet 140162, MedGen C0027672, MeSH D009386, MONDO:0015356.
Hereditary breast ovarian cancer syndrome. Also called: Hereditary breast and ovarian cancer syndrome (HBOC); Hereditary breast and ovarian cancer syndrome; Hereditary breast and ovarian cancer; Hereditary breast and/or ovarian cancer syndrome; Breast and ovarian cancer; BRCA1- and BRCA2-Associated Hereditary Breast and Ovarian Cancer. Identifiers: Orphanet 145, MedGen C0677776, MeSH D061325, MONDO:0003582. Disease mechanism: loss of function.
Breast-ovarian cancer, familial, susceptibility to, 1 (BROVCA1). Also called: OVARIAN CANCER, SUSCEPTIBILITY TO; BRCA1 Hereditary Breast and Ovarian Cancer. Identifiers: Orphanet 145, MedGen C2676676, MONDO:0011450, OMIM 604370. Disease mechanism: loss of function.

Submissions (6):

Evidence-based Network for the Interpretation of Germline Mutant Alleles (ENIGMA)
Classification: Pathogenic for Breast-ovarian cancer, familial, susceptibility to, 1. Last evaluated: 2016-09-08. Review status: reviewed by expert panel. Criteria: ENIGMA BRCA1/2 Classification Criteria (2015). Collection method: curation. Allele origin: germline.
Comment: Variant allele predicted to encode a truncated non-functional protein.

Labcorp Genetics (formerly Invitae), Labcorp
Classification: Pathogenic for Hereditary breast ovarian cancer syndrome. Last evaluated: 2024-11-21. Review status: criteria provided, single submitter. Criteria: Invitae Variant Classification Sherloc (09022015). Collection method: clinical testing. Allele origin: germline. Not counted in ClinVar's aggregate classification.
Comment: This sequence change creates a premature translational stop signal (p.Thr826Argfs*4) in the BRCA1 gene. It is expected to result in an absent or disrupted protein product. Loss-of-function variants in BRCA1 are known to be pathogenic (PMID: 20104584). This variant is not present in population databases (gnomAD no frequency). This premature translational stop signal has been observed in individual(s) with hereditary breast and ovarian cancer (PMID: 29907814). For these reasons, this variant has been classified as Pathogenic.

GeneDx
Classification: Pathogenic. Last evaluated: 2023-09-27. Review status: criteria provided, single submitter. Criteria: GeneDx Variant Classification Process June 2021. Collection method: clinical testing. Allele origin: germline. Affected: yes. Not counted in ClinVar's aggregate classification.
Comment: Frameshift variant predicted to result in protein truncation or nonsense mediated decay in a gene for which loss of function is a known mechanism of disease; Not observed at significant frequency in large population cohorts (gnomAD); Truncating variants in this gene are considered pathogenic by a well-established clinical consortium and/or database; Identified in an individual with ovarian cancer (Chevrier et al., 2021); Also known as 2596_2597del; This variant is associated with the following publications: (PMID: 29446198, 29907814, 20104584, 34206535)

Ambry Genetics
Classification: Pathogenic for Hereditary cancer-predisposing syndrome. Last evaluated: 2020-02-10. Review status: criteria provided, single submitter. Criteria: Ambry Variant Classification Scheme 2023. Collection method: clinical testing. Allele origin: germline. Not counted in ClinVar's aggregate classification.
Comment: The c.2477_2478delCA pathogenic mutation, located in coding exon 9 of the BRCA1 gene, results from a deletion of two nucleotides at nucleotide positions 2477 to 2478, causing a translational frameshift with a predicted alternate stop codon (p.T826Rfs*4). This alteration was reported in two unrelated Brazilian individuals who met clinical criterial for hereditary breast and ovarian cancer testing and was identified in a large, worldwide study of BRCA1/2 mutation positive families (Palmero EI et al. Sci Rep, 2018 06;8:9188; Rebbeck TR et al. Hum. Mutat., 2018 05;39:593-620). In addition to the information presented in the literature, this alteration is expected to result in loss of function by premature protein truncation or nonsense-mediated mRNA decay. As such, this alteration is interpreted as a disease-causing mutation.

Consortium of Investigators of Modifiers of BRCA1/2 (CIMBA), c/o University of Cambridge
Classification: Pathogenic for Breast-ovarian cancer, familial, susceptibility to, 1. Last evaluated: 2015-10-02. Review status: criteria provided, single submitter. Criteria: CIMBA Mutation Classification guidelines May 2016. Collection method: clinical testing. Allele origin: germline. Not counted in ClinVar's aggregate classification.

Breast Cancer Information Core (BIC) (BRCA1)
Classification: Pathogenic for Breast-ovarian cancer, familial 1. Last evaluated: 2006-07-19. Review status: no assertion criteria provided. Collection method: clinical testing. Allele origin: unknown. Affected: yes. Observed: 1 variant allele. Not counted in ClinVar's aggregate classification.

Literature cited by the submitters: PubMed 20104584 (cited by Labcorp Genetics (formerly Invitae), Labcorp); PubMed 29907814 (cited by Labcorp Genetics (formerly Invitae), Labcorp and Ambry Genetics); PubMed 29446198 (cited by Ambry Genetics).